The following is an entry in ClinVar:

NM_018896.5(CACNA1G):c.4170-5C>T

Gene: CACNA1G (calcium voltage-gated channel subunit alpha1 G; plus strand). Cytogenetic location: 17q21.33.
Variant type: single nucleotide variant.
Coding change: c.4170-5C>T on transcript NM_018896.5 (MANE Select); 5 bases into the intron before coding-DNA position 4170, C replaced by T.
Molecular consequence: intron variant.
Genome position (GRCh38, 1-based): chr17:50,604,150, C>T. VCF-style: chr17-50604150-C-T. GRCh37 (hg19) VCF-style: chr17-48681511-C-T.
Other names: c.4170-5C>T (NM_001256325.2, NM_198377.3, NM_198380.3 and 16 more transcripts); c.4101-5C>T (NM_198396.3, NM_198379.3, NM_198387.3 and 5 more transcripts).
Identifiers: ClinVar variation 4978281 (VCV004978281.1).

ClinVar aggregate classification (germline): Likely benign (1 of 4 stars; one submission).

Conditions:
CACNA1G-related disorder. Also called: CACNA1G-related disorders; CACNA1G-related condition.

gnomAD v4.1: 2 of 1,612,824 alleles (0.00012%); highest among the groups gnomAD compares: Non-Finnish European, 0.00017%; no homozygotes.

Submission:

PreventionGenetics, part of Exact Sciences
Classification: Likely benign for CACNA1G-related condition. Last evaluated: 2026-04-24. Review status: criteria provided, single submitter. Criteria: ACMG Guidelines, 2015. Collection method: clinical testing. Allele origin: germline.
Comment: This variant is classified as likely benign based on ACMG/AMP sequence variant interpretation guidelines (Richards et al. 2015 PMID: 25741868, with internal and published modifications).